The following is an entry in ClinVar:

NM_021930.6(RINT1):c.2362C>G (p.Pro788Ala)

Genes: EFCAB10 (EF-hand calcium binding domain 10; minus strand), RINT1 (RAD50 interactor 1; plus strand). Cytogenetic location: 7q22.3.
Variant type: single nucleotide variant.
Coding change: c.2362C>G on transcript NM_021930.6 (MANE Select); coding-DNA position 2362, C replaced by G.
Protein change: p.Pro788Ala; replaces proline 788 with alanine.
Molecular consequence: missense variant. On other transcripts: 3 prime UTR variant (2), non-coding transcript variant (1), intron variant (3).
Genome position (GRCh38, 1-based): chr7:105,567,294, C>G. VCF-style: chr7-105567294-C-G. GRCh37 (hg19) VCF-style: chr7-105207741-C-G.
Other names: c.*160G>C (NM_001355527.2, NM_001355529.2); c.2128C>G, p.Pro710Ala (NM_001346599.2); c.1339C>G, p.Pro447Ala (NM_001346600.2, NM_001346603.2); c.1438C>G, p.Pro480Ala (NM_001346601.2); c.360-1847G>C (NM_001355531.2); c.383+173G>C (NM_001355526.2, NM_001355530.2); short protein forms P480A, P447A, P788A, P710A.
Identifiers: ClinVar variation 1509818 (VCV001509818.8), dbSNP rs1060503046, ClinGen allele CA368815723.

ClinVar aggregate classification (germline): Uncertain significance (1 of 4 stars; one submission).

Submission:

Labcorp Genetics (formerly Invitae), Labcorp
Classification: Uncertain significance. Last evaluated: 2021-02-14. Review status: criteria provided, single submitter. Criteria: Invitae Variant Classification Sherloc (09022015). Collection method: clinical testing. Allele origin: germline.
Comment: In summary, the available evidence is currently insufficient to determine the role of this variant in disease. Therefore, it has been classified as a Variant of Uncertain Significance. Algorithms developed to predict the effect of missense changes on protein structure and function are either unavailable or do not agree on the potential impact of this missense change (SIFT: "Tolerated"; PolyPhen-2: "Possibly Damaging"; Align-GVGD: "Class C0"). This variant has not been reported in the literature in individuals with RINT1-related conditions. This variant is not present in population databases (ExAC no frequency). This sequence change replaces proline with alanine at codon 788 of the RINT1 protein (p.Pro788Ala). The proline residue is highly conserved and there is a small physicochemical difference between proline and alanine.